The following is an entry in ClinVar:

NM_005876.5(SPEG):c.571G>A (p.Gly191Arg)

Gene: SPEG (striated muscle enriched protein kinase; plus strand). Cytogenetic location: 2q35.
Variant type: single nucleotide variant.
Coding change: c.571G>A on transcript NM_005876.5 (MANE Select); coding-DNA position 571, G replaced by A.
Protein change: p.Gly191Arg; replaces glycine 191 with arginine.
Molecular consequence: missense variant.
Genome position (GRCh38, 1-based): chr2:219,444,917, G>A. VCF-style: chr2-219444917-G-A. GRCh37 (hg19) VCF-style: chr2-220309639-G-A.
Other names: short protein forms G191R.
Identifiers: ClinVar variation 1386329 (VCV001386329.7), dbSNP rs1294705057, ClinGen allele CA350711146.

ClinVar aggregate classification (germline): Uncertain significance. Review status: criteria provided, multiple submitters, no conflicts (2 of 4 stars). 2 submissions from 2 submitters: Uncertain significance (2). Last evaluated 2023-08-30.

Allele frequency attached by ClinVar (database versions not stated): gnomAD 0.00001.

Submissions (2):

Labcorp Genetics (formerly Invitae), Labcorp
Classification: Uncertain significance. Last evaluated: 2023-08-30. Review status: criteria provided, single submitter. Criteria: Invitae Variant Classification Sherloc (09022015). Collection method: clinical testing. Allele origin: germline.
Comment: This variant has not been reported in the literature in individuals affected with SPEG-related conditions. ClinVar contains an entry for this variant (Variation ID: 1386329). An algorithm developed to predict the effect of missense changes on protein structure and function (PolyPhen-2) suggests that this variant is likely to be disruptive. In summary, the available evidence is currently insufficient to determine the role of this variant in disease. Therefore, it has been classified as a Variant of Uncertain Significance. This variant is not present in population databases (gnomAD no frequency). This sequence change replaces glycine, which is neutral and non-polar, with arginine, which is basic and polar, at codon 191 of the SPEG protein (p.Gly191Arg).

Breakthrough Genomics
Classification: Uncertain significance. Review status: criteria provided, single submitter. Criteria: ACMG Guidelines, 2015. Collection method: not provided. Allele origin: germline. Inheritance: Autosomal recessive inheritance. Affected: yes.